The following is an entry in ClinVar:

NM_015559.3(SETBP1):c.2198C>T (p.Ala733Val)

Gene: SETBP1 (SET binding protein 1; plus strand). Cytogenetic location: 18q12.3.
Variant type: single nucleotide variant.
Coding change: c.2198C>T on transcript NM_015559.3 (MANE Select); coding-DNA position 2198, C replaced by T.
Protein change: p.Ala733Val; replaces alanine 733 with valine.
Molecular consequence: missense variant.
Genome position (GRCh38, 1-based): chr18:44,951,538, C>T. VCF-style: chr18-44951538-C-T. GRCh37 (hg19) VCF-style: chr18-42531503-C-T.
Other names: c.2198C>T, p.Ala733Val (NM_001379141.1, NM_001379142.1, NM_001410862.1); short protein forms A733V.
Identifiers: ClinVar variation 3721085 (VCV003721085.2).

ClinVar aggregate classification (germline): Uncertain significance (1 of 4 stars; one submission).

Submission:

Labcorp Genetics (formerly Invitae), Labcorp
Classification: Uncertain significance. Last evaluated: 2024-10-30. Review status: criteria provided, single submitter. Criteria: Invitae Variant Classification Sherloc (09022015). Collection method: clinical testing. Allele origin: germline.
Comment: This sequence change replaces alanine, which is neutral and non-polar, with valine, which is neutral and non-polar, at codon 733 of the SETBP1 protein (p.Ala733Val). This variant is not present in population databases (gnomAD no frequency). This variant has not been reported in the literature in individuals affected with SETBP1-related conditions. Invitae Evidence Modeling of protein sequence and biophysical properties (such as structural, functional, and spatial information, amino acid conservation, physicochemical variation, residue mobility, and thermodynamic stability) indicates that this missense variant is not expected to disrupt SETBP1 protein function with a negative predictive value of 80%. In summary, the available evidence is currently insufficient to determine the role of this variant in disease. Therefore, it has been classified as a Variant of Uncertain Significance.